The following is an entry in ClinVar:

NM_006445.4(PRPF8):c.5376+6_5376+9del

Gene: PRPF8 (pre-mRNA processing factor 8; minus strand). Cytogenetic location: 17p13.3.
Variant type: Deletion.
Coding change: c.5376+6_5376+9del on transcript NM_006445.4 (MANE Select); bases 6 to 9 of the intron after coding-DNA position 5376, 4 bases deleted (TGTT; older notation c.5376+6_5376+9delTGTT).
Molecular consequence: intron variant.
Genome position (GRCh38, 1-based): chr17:1,658,517-1,658,520, AACA deleted on the plus strand (TGTT on the coding strand, the reverse complement: PRPF8 is on the minus strand). VCF-style (leftmost placement, unchanged base first): chr17-1658516-TAACA-T. GRCh37 (hg19) VCF-style: chr17-1561810-TAACA-T.
Identifiers: ClinVar variation 1446405 (VCV001446405.6), dbSNP rs773108151, ClinGen allele CA8271443.

ClinVar aggregate classification (germline): Uncertain significance (1 of 4 stars; one submission).

Allele frequency attached by ClinVar (database versions not stated): gnomAD exomes below 0.00001 and 0.00002; ExAC 0.00002; gnomAD 0.00003; TOPMed 0.00006.

Submission:

Labcorp Genetics (formerly Invitae), Labcorp
Classification: Uncertain significance. Last evaluated: 2024-12-02. Review status: criteria provided, single submitter. Criteria: Invitae Variant Classification Sherloc (09022015). Collection method: clinical testing. Allele origin: germline.
Comment: This sequence change falls in intron 33 of the PRPF8 gene. It does not directly change the encoded amino acid sequence of the PRPF8 protein. It affects a nucleotide within the consensus splice site. This variant is present in population databases (rs773108151, gnomAD 0.02%). This variant has been observed in individual(s) with clinical features of retinitis pigmentosa (internal data). ClinVar contains an entry for this variant (Variation ID: 1446405). Variants that disrupt the consensus splice site are a relatively common cause of aberrant splicing (PMID: 17576681, 9536098). Algorithms developed to predict the effect of sequence changes on RNA splicing suggest that this variant is not likely to affect RNA splicing. In summary, the available evidence is currently insufficient to determine the role of this variant in disease. Therefore, it has been classified as a Variant of Uncertain Significance.

Literature cited by the submitters: PubMed 17576681; PubMed 9536098.